The following is an entry in ClinVar:

NM_206933.4(USH2A):c.566G>T (p.Arg189Leu)

Gene: USH2A (usherin; minus strand). Cytogenetic location: 1q41.
Variant type: single nucleotide variant.
Coding change: c.566G>T on transcript NM_206933.4 (MANE Select); coding-DNA position 566, G replaced by T.
Protein change: p.Arg189Leu; replaces arginine 189 with leucine.
Molecular consequence: missense variant.
Genome position (GRCh38, 1-based): chr1:216,418,599, C>A on the plus strand (G>T on the coding strand, the complement: USH2A is on the minus strand). VCF-style: chr1-216418599-C-A. GRCh37 (hg19) VCF-style: chr1-216591941-C-A.
Other names: c.566G>T, p.Arg189Leu (NM_007123.6); short protein forms R189L.
Identifiers: ClinVar variation 840212 (VCV000840212.11), dbSNP rs747767544, ClinGen allele CA1396751.

ClinVar aggregate classification (germline): Uncertain significance. Review status: criteria provided, multiple submitters, no conflicts (2 of 4 stars). 5 submissions from 5 submitters: Uncertain significance (4). 1 of the submissions does not count toward it. Last evaluated 2024-11-11.

Conditions:
Usher syndrome type 2A. Also called: RETINAL DISEASE IN USHER SYNDROME TYPE IIA, MODIFIER OF; USHER SYNDROME, TYPE IIA. Identifiers: Orphanet 231178, Orphanet 886, MedGen C1848634, MONDO:0010169, OMIM 276901.
Retinitis pigmentosa 39 (RP39). Identifiers: Orphanet 791, MedGen C3151138, MONDO:0013436, OMIM 613809.

Allele frequency attached by ClinVar (database versions not stated): TOPMed 0.00001.
gnomAD v4.1: 27 of 1,613,098 alleles (0.0017%); highest among the groups gnomAD compares: Admixed American, 0.027%; no homozygotes.

Submissions (5):

Labcorp Genetics (formerly Invitae), Labcorp
Classification: Uncertain significance. Last evaluated: 2024-11-11. Review status: criteria provided, single submitter. Criteria: Invitae Variant Classification Sherloc (09022015). Collection method: clinical testing. Allele origin: germline.
Comment: This sequence change replaces arginine, which is basic and polar, with leucine, which is neutral and non-polar, at codon 189 of the USH2A protein (p.Arg189Leu). This variant is present in population databases (rs747767544, gnomAD 0.04%). This variant has not been reported in the literature in individuals affected with USH2A-related conditions. ClinVar contains an entry for this variant (Variation ID: 840212). Invitae Evidence Modeling of protein sequence and biophysical properties (such as structural, functional, and spatial information, amino acid conservation, physicochemical variation, residue mobility, and thermodynamic stability) indicates that this missense variant is not expected to disrupt USH2A protein function with a negative predictive value of 95%. Algorithms developed to predict the effect of sequence changes on RNA splicing suggest that this variant may create or strengthen a splice site. In summary, the available evidence is currently insufficient to determine the role of this variant in disease. Therefore, it has been classified as a Variant of Uncertain Significance.

GeneDx
Classification: Uncertain significance. Last evaluated: 2024-08-08. Review status: criteria provided, single submitter. Criteria: GeneDx Variant Classification Process June 2021. Collection method: clinical testing. Allele origin: germline. Affected: yes.
Comment: In silico analysis supports that this missense variant has a deleterious effect on protein structure/function; In silico analysis suggests this variant may impact gene splicing. In the absence of RNA/functional studies, the actual effect of this sequence change is unknown.; Has not been previously published as pathogenic or benign to our knowledge

Blueprint Genetics
Classification: Uncertain significance. Last evaluated: 2024-01-19. Review status: criteria provided, single submitter. Criteria: ACMG Guidelines, 2015. Collection method: clinical testing. Allele origin: germline.

Department of Pathology and Laboratory Medicine, Sinai Health System
Classification: Uncertain significance for Usher syndrome type 2A; Retinitis pigmentosa 39. Last evaluated: 2021-07-30. Review status: criteria provided, single submitter. Criteria: ACMG Guidelines, 2015. Collection method: research. Allele origin: germline.

Natera, Inc.
Classification: Uncertain significance for Usher syndrome type 2A. Last evaluated: 2020-01-22. Review status: no assertion criteria provided. Collection method: clinical testing. Allele origin: germline. Not counted in ClinVar's aggregate classification.